The following is an entry in ClinVar:

NM_032242.4(PLXNA1):c.777C>A (p.Leu259=)

Gene: PLXNA1 (plexin A1; plus strand). Cytogenetic location: 3q21.3.
Variant type: single nucleotide variant.
Coding change: c.777C>A on transcript NM_032242.4 (MANE Select); coding-DNA position 777, C replaced by A.
Protein change: p.Leu259=; no amino-acid change (leucine 259 retained).
Molecular consequence: synonymous variant.
Genome position (GRCh38, 1-based): chr3:126,989,370, C>A. VCF-style: chr3-126989370-C-A. GRCh37 (hg19) VCF-style: chr3-126708213-C-A.
Identifiers: ClinVar variation 3351249 (VCV003351249.1).

ClinVar aggregate classification (germline): Likely benign (0 of 4 stars; one submission).

Conditions:
PLXNA1-related disorder. Also called: PLXNA1-related condition.

gnomAD v4.1: 10 of 1,613,516 alleles (0.00062%); highest among the groups gnomAD compares: Admixed American, 0.01%; no homozygotes.

Submission:

PreventionGenetics, part of Exact Sciences
Classification: Likely benign for PLXNA1-related condition. Last evaluated: 2023-07-28. Review status: no assertion criteria provided. Collection method: clinical testing. Allele origin: germline.
Comment: This variant is classified as likely benign based on ACMG/AMP sequence variant interpretation guidelines (Richards et al. 2015 PMID: 25741868, with internal and published modifications).